The following is an entry in ClinVar:

ClinVar aggregate classification (germline): Uncertain significance (1 of 4 stars; one submission).

Conditions:
Kabuki syndrome. Also called: NIIKAWA-KUROKI SYNDROME; Kabuki make-up syndrome. Identifiers: Orphanet 2322, MedGen C0796004, MONDO:0016512.

Allele frequency attached by ClinVar (database versions not stated): gnomAD 0.00001.
gnomAD v4.1: 1 of 1,595,480 alleles (0.000063%); highest among the groups gnomAD compares: Non-Finnish European, 0.000085%; no homozygotes.

Submission:

Labcorp Genetics (formerly Invitae), Labcorp
Classification: Uncertain significance for Kabuki syndrome. Last evaluated: 2025-11-18. Review status: criteria provided, single submitter. Criteria: Invitae Variant Classification Sherloc (09022015). Collection method: clinical testing. Allele origin: germline.
Comment: This sequence change replaces serine, which is neutral and polar, with cysteine, which is neutral and slightly polar, at codon 2858 of the KMT2D protein (p.Ser2858Cys). This variant is not present in population databases (gnomAD no frequency). This variant has not been reported in the literature in individuals affected with KMT2D-related conditions. ClinVar contains an entry for this variant (Variation ID: 2800169). Invitae Evidence Modeling of protein sequence and biophysical properties (such as structural, functional, and spatial information, amino acid conservation, physicochemical variation, residue mobility, and thermodynamic stability) indicates that this missense variant is not expected to disrupt KMT2D protein function with a negative predictive value of 95%. In summary, the available evidence is currently insufficient to determine the role of this variant in disease. Therefore, it has been classified as a Variant of Uncertain Significance.

NM_003482.4(KMT2D):c.8573C>G (p.Ser2858Cys)

Gene: KMT2D (lysine methyltransferase 2D; minus strand). Cytogenetic location: 12q13.12.
Variant type: single nucleotide variant.
Coding change: c.8573C>G on transcript NM_003482.4 (MANE Select); coding-DNA position 8573, C replaced by G.
Protein change: p.Ser2858Cys; replaces serine 2858 with cysteine.
Molecular consequence: missense variant.
Genome position (GRCh38, 1-based): chr12:49,038,783, G>C on the plus strand (C>G on the coding strand, the complement: KMT2D is on the minus strand). VCF-style: chr12-49038783-G-C. GRCh37 (hg19) VCF-style: chr12-49432566-G-C.
Other names: short protein forms S2858C.
Identifiers: ClinVar variation 2800169 (VCV002800169.3), dbSNP rs1439459361, ClinGen allele CA384741723.
Genomic context (GRCh38, chr12:49,038,783, plus strand): 5'-ATGAACTGGGCAGGACCAGCTGGACCAGGCACTGGCTCACCAGGGCCTGGCAGACGGGTG[G>C]AAATTCCCGCCAACGGGGAACCTAGGGCTTGGCGGCCAAGTTCAGGTCCAGGAGTTGATG-3'
Protein context (NP_003473.3, residues 2848-2868): QALGSPLAGI[Ser2858Cys]TRLPGPGEPV